The following is an entry in ClinVar:

NM_004431.5(EPHA2):c.2097C>T (p.Ala699=)

Gene: EPHA2 (EPH receptor A2; minus strand). Cytogenetic location: 1p36.13.
Variant type: single nucleotide variant.
Coding change: c.2097C>T on transcript NM_004431.5 (MANE Select); coding-DNA position 2097, C replaced by T.
Protein change: p.Ala699=; no amino-acid change (alanine 699 retained).
Molecular consequence: synonymous variant.
Genome position (GRCh38, 1-based): chr1:16,132,396, G>A on the plus strand (C>T on the coding strand, the complement: EPHA2 is on the minus strand). VCF-style: chr1-16132396-G-A. GRCh37 (hg19) VCF-style: chr1-16458891-G-A.
Other names: c.1935C>T, p.Ala645= (NM_001329090.2); c.2097C>T (NM_004431.4).
Identifiers: ClinVar variation 293414 (VCV000293414.15), dbSNP rs149080726, ClinGen allele CA624942.

ClinVar aggregate classification (germline): Benign. Review status: criteria provided, multiple submitters, no conflicts (2 of 4 stars). 3 submissions from 3 submitters: Benign (2). 1 of the submissions does not count toward it. Last evaluated 2025-04-17.

Conditions:
EPHA2-related disorder. Also called: EPHA2-related condition.
Cataract 6 multiple types. Also called: CATARACT, AGE-RELATED CORTICAL, 2; CATARACT 6, POSTERIOR POLAR; CATARACT 6, CONGENITAL TOTAL. Identifiers: Orphanet 91492, MedGen C1861825, MONDO:0007288, OMIM 116600.

Allele frequency attached by ClinVar (database versions not stated): TOPMed 0.00037; ESP Exome Variant Server 0.00046; 1000 Genomes Project 0.00060; 1000 Genomes Project 30x 0.00062; gnomAD exomes 0.00098 and 0.00166; ExAC 0.00138; gnomAD 0.00141 and 0.00152.
gnomAD v4.1: 1,660 of 1,614,132 alleles (0.1%); highest among the groups gnomAD compares: Non-Finnish European, 0.059%; 6 homozygotes.

Submissions (3):

Labcorp Genetics (formerly Invitae), Labcorp
Classification: Benign for Cataract 6 multiple types. Last evaluated: 2025-04-17. Review status: criteria provided, single submitter. Criteria: Invitae Variant Classification Sherloc (09022015). Collection method: clinical testing. Allele origin: germline.

Illumina Laboratory Services, Illumina
Classification: Benign for Cataract 6 multiple types. Last evaluated: 2018-01-13. Review status: criteria provided, single submitter. Criteria: ICSL Variant Classification Criteria 13 December 2019. Collection method: clinical testing. Allele origin: germline.
Comment: This variant was observed in the ICSL laboratory as part of a predisposition screen in an ostensibly healthy population. It had not been previously curated by ICSL or reported in the Human Gene Mutation Database (HGMD: prior to June 1st, 2018), and was therefore a candidate for classification through an automated scoring system. Utilizing variant allele frequency, disease prevalence and penetrance estimates, and inheritance mode, an automated score was calculated to assess if this variant is too frequent to cause the disease. Based on the score and internal cut-off values, a variant classified as benign is not then subjected to further curation. The score for this variant resulted in a classification of benign for this disease.

PreventionGenetics, part of Exact Sciences
Classification: Likely benign for EPHA2-related condition. Last evaluated: 2019-03-06. Review status: no assertion criteria provided. Collection method: clinical testing. Allele origin: germline. Not counted in ClinVar's aggregate classification.
Comment: This variant is classified as likely benign based on ACMG/AMP sequence variant interpretation guidelines (Richards et al. 2015 PMID: 25741868, with internal and published modifications).